The following is an entry in ClinVar:

NM_001127222.2(CACNA1A):c.2257G>A (p.Ala753Thr)

Gene: CACNA1A (calcium voltage-gated channel subunit alpha1 A; minus strand). Cytogenetic location: 19p13.13.
Variant type: single nucleotide variant.
Coding change: c.2257G>A on transcript NM_001127222.2 (MANE Select); coding-DNA position 2257, G replaced by A.
Protein change: p.Ala753Thr; replaces alanine 753 with threonine.
Molecular consequence: missense variant.
Genome position (GRCh38, 1-based): chr19:13,300,572, C>T on the plus strand (G>A on the coding strand, the complement: CACNA1A is on the minus strand). VCF-style: chr19-13300572-C-T. GRCh37 (hg19) VCF-style: chr19-13411386-C-T.
Other names: c.2269G>A, p.Ala757Thr (NM_000068.4, NM_023035.3); c.2260G>A, p.Ala754Thr (NM_001127221.2, NM_001174080.2); short protein forms A757T, A753T, A754T.
Identifiers: ClinVar variation 848260 (VCV000848260.10), dbSNP rs17846944, ClinGen allele CA9240605.

ClinVar aggregate classification (germline): Uncertain significance. Review status: criteria provided, multiple submitters, no conflicts (2 of 4 stars). 3 submissions from 3 submitters: Uncertain significance (3). Last evaluated 2024-12-02.

Conditions:
Episodic ataxia type 2 (EA2). Also called: ACETAZOLAMIDE-RESPONSIVE HEREDITARY PAROXYSMAL CEREBELLAR ATAXIA; ATAXIA, EPISODIC, WITH NYSTAGMUS; ATAXIA, FAMILIAL PAROXYSMAL; CEREBELLAR ATAXIA, PAROXYSMAL, ACETAZOLAMIDE-RESPONSIVE; CEREBELLOPATHY, HEREDITARY PAROXYSMAL; EPISODIC ATAXIA, NYSTAGMUS-ASSOCIATED. Identifiers: Orphanet 97, MedGen C1720416, MONDO:0007163, OMIM 108500.
Developmental and epileptic encephalopathy, 42 (DEE42A). Also called: DEVELOPMENTAL AND EPILEPTIC ENCEPHALOPATHY 42A; EPILEPTIC ENCEPHALOPATHY, EARLY INFANTILE, 42A; Epileptic encephalopathy, early infantile, 42. Identifiers: MedGen C4310716, MONDO:0014917, OMIM 617106.
Inborn genetic diseases. Identifiers: MedGen C0950123, MeSH D030342.

Allele frequency attached by ClinVar (database versions not stated): ExAC 0.00002; gnomAD exomes 0.00002 and 0.00007; TOPMed 0.00002; gnomAD 0.00007; ESP Exome Variant Server 0.00008.
gnomAD v4.1: 111 of 1,613,312 alleles (0.0069%); highest among the groups gnomAD compares: Non-Finnish European, 0.0092%; no homozygotes.

Submissions (3):

Labcorp Genetics (formerly Invitae), Labcorp
Classification: Uncertain significance for Developmental and epileptic encephalopathy, 42; Episodic ataxia type 2. Last evaluated: 2024-12-02. Review status: criteria provided, single submitter. Criteria: Invitae Variant Classification Sherloc (09022015). Collection method: clinical testing. Allele origin: germline.
Comment: This sequence change replaces alanine, which is neutral and non-polar, with threonine, which is neutral and polar, at codon 754 of the CACNA1A protein (p.Ala754Thr). This variant is present in population databases (rs17846944, gnomAD 0.006%). This variant has not been reported in the literature in individuals affected with CACNA1A-related conditions. ClinVar contains an entry for this variant (Variation ID: 848260). Invitae Evidence Modeling of protein sequence and biophysical properties (such as structural, functional, and spatial information, amino acid conservation, physicochemical variation, residue mobility, and thermodynamic stability) indicates that this missense variant is expected to disrupt CACNA1A protein function with a positive predictive value of 95%. In summary, the available evidence is currently insufficient to determine the role of this variant in disease. Therefore, it has been classified as a Variant of Uncertain Significance.

GeneDx
Classification: Uncertain significance. Last evaluated: 2022-12-29. Review status: criteria provided, single submitter. Criteria: GeneDx Variant Classification Process June 2021. Collection method: clinical testing. Allele origin: germline. Affected: yes.
Comment: In silico analysis supports that this missense variant has a deleterious effect on protein structure/function; Has not been previously published as pathogenic or benign to our knowledge

Ambry Genetics
Classification: Uncertain significance for Inborn genetic diseases. Last evaluated: 2017-09-27. Review status: criteria provided, single submitter. Criteria: Ambry Variant Classification Scheme 2023. Collection method: clinical testing. Allele origin: germline.
Comment: The p.A754T variant (also known as c.2260G>A), located in coding exon 18 of the CACNA1A gene, results from a G to A substitution at nucleotide position 2260. The alanine at codon 754 is replaced by threonine, an amino acid with similar properties. This amino acid position is highly conserved in available vertebrate species. In addition, the in silico prediction for this alteration is inconclusive. Since supporting evidence is limited at this time, the clinical significance of this alteration remains unclear.